The following is an entry in ClinVar:

NM_139027.6(ADAMTS13):c.3070T>G (p.Cys1024Gly)

Gene: ADAMTS13 (ADAM metallopeptidase with thrombospondin type 1 motif 13; plus strand). Cytogenetic location: 9q34.2.
Variant type: single nucleotide variant.
Coding change: c.3070T>G on transcript NM_139027.6 (MANE Select); coding-DNA position 3070, T replaced by G.
Protein change: p.Cys1024Gly; replaces cysteine 1024 with glycine.
Molecular consequence: missense variant. On other transcripts: non-coding transcript variant (1).
Genome position (GRCh38, 1-based): chr9:133,454,440, T>G. VCF-style: chr9-133454440-T-G. GRCh37 (hg19) VCF-style: chr9-136319562-T-G.
Other names: c.3070T>G, p.Cys1024Gly (NM_139025.5); c.2977T>G, p.Cys993Gly (NM_139026.6); c.3070T>G (NM_139025.4); short protein forms C1024G, C993G.
Identifiers: ClinVar variation 5803 (VCV000005803.11), dbSNP rs121908472, ClinGen allele CA117754.

ClinVar aggregate classification (germline): Pathogenic/Likely pathogenic. Review status: criteria provided, multiple submitters, no conflicts (2 of 4 stars). 6 submissions from 6 submitters: Pathogenic (4); Likely pathogenic (1). 1 of the submissions does not count toward it. Last evaluated 2025-10-24.

Conditions:
Thrombotic thrombocytopenic purpura. Also called: Moschowitz syndrome; Moschkowitz Disease. Identifiers: Orphanet 54057, MedGen C0034155, MONDO:0018896.
Upshaw-Schulman syndrome (TTP). Also called: THROMBOTIC THROMBOCYTOPENIC PURPURA, HEREDITARY; Congenital thrombotic thrombocytopenic purpura. Identifiers: Orphanet 93583, MedGen C1268935, MONDO:0010122, OMIM 274150.

Allele frequency attached by ClinVar (database versions not stated): gnomAD exomes 0.00003; ExAC 0.00008; gnomAD 0.00011 and 0.00012; TOPMed 0.00015; 1000 Genomes Project 0.00020; 1000 Genomes Project 30x 0.00031; ESP Exome Variant Server 0.00031.
gnomAD v4.1: 26 of 1,613,814 alleles (0.0016%); highest among the groups gnomAD compares: African/African-American, 0.035%; no homozygotes.

Submissions (6):

Labcorp Genetics (formerly Invitae), Labcorp
Classification: Pathogenic. Last evaluated: 2025-10-24. Review status: criteria provided, single submitter. Criteria: Invitae Variant Classification Sherloc (09022015). Collection method: clinical testing. Allele origin: germline.
Comment: This sequence change replaces cysteine, which is neutral and slightly polar, with glycine, which is neutral and non-polar, at codon 1024 of the ADAMTS13 protein (p.Cys1024Gly). This variant is present in population databases (rs121908472, gnomAD 0.05%). This missense change has been observed in individuals with clinical features of thrombotic thrombocytopenic purpura (PMID: 11586351, 27427187, 30312976, 35022991; internal data). ClinVar contains an entry for this variant (Variation ID: 5803). An algorithm developed to predict the effect of missense changes on protein structure and function (PolyPhen-2) suggests that this variant is likely to be disruptive. This variant disrupts the p.Cys1024 amino acid residue in ADAMTS13. Other variant(s) that disrupt this residue have been observed in individuals with ADAMTS13-related conditions (PMID: 21781265), which suggests that this may be a clinically significant amino acid residue. For these reasons, this variant has been classified as Pathogenic.

Mayo Clinic Laboratories, Mayo Clinic
Classification: Pathogenic. Last evaluated: 2025-02-21. Review status: criteria provided, single submitter. Criteria: ACMG Guidelines, 2015. Collection method: clinical testing. Allele origin: germline. Observed: 1 variant allele.
Comment: PP3_moderate, PM2_supporting, PM3, PS4_very_strong

Genomic Medicine Center of Excellence, King Faisal Specialist Hospital and Research Centre
Classification: Pathogenic for Upshaw-Schulman syndrome. Last evaluated: 2024-12-18. Review status: criteria provided, single submitter. Criteria: ACMG Guidelines, 2015. Collection method: clinical testing. Allele origin: germline.

Women's Health and Genetics/Laboratory Corporation of America, LabCorp
Classification: Pathogenic for Thrombotic thrombocytopenic purpura. Last evaluated: 2024-06-26. Review status: criteria provided, single submitter. Criteria: LabCorp Variant Classification Summary - May 2015. Collection method: clinical testing. Allele origin: germline.
Comment: Variant summary: ADAMTS13 c.3070T>G (p.Cys1024Gly) results in a non-conservative amino acid change in the encoded protein sequence. Five of five in-silico tools predict a damaging effect of the variant on protein function. The variant allele was found at a frequency of 3.2e-05 in 250648 control chromosomes. c.3070T>G has been reported in the literature in multiple homozygous individuals affected with Thrombotic Thrombocytopenic Purpura (Levy_2001, Del Orbe Barreto_2016, Beltrami-Moreira_2022). These data indicate that the variant is very likely to be associated with disease. To our knowledge, no experimental evidence demonstrating an impact on protein function has been reported. The following publications have been ascertained in the context of this evaluation (PMID: 35022991, 27427187, 11586351). ClinVar contains an entry for this variant (Variation ID: 5803). Based on the evidence outlined above, the variant was classified as pathogenic.

Fulgent Genetics
Classification: Likely pathogenic for Upshaw-Schulman syndrome. Last evaluated: 2024-04-04. Review status: criteria provided, single submitter. Criteria: ACMG Guidelines, 2015. Collection method: clinical testing. Allele origin: germline.

OMIM
Classification: Pathogenic for THROMBOTIC THROMBOCYTOPENIC PURPURA, HEREDITARY. Last evaluated: 2001-10-04. Review status: no assertion criteria provided. Collection method: literature only. Allele origin: germline. Not counted in ClinVar's aggregate classification.

Literature cited by the submitters: PubMed 11586351 (cited by 4 submitters); PubMed 27427187 (cited by 3 submitters); PubMed 30312976 (cited by Labcorp Genetics (formerly Invitae), Labcorp and Mayo Clinic Laboratories, Mayo Clinic); PubMed 35022991 (cited by 3 submitters); PubMed 21781265 (cited by Labcorp Genetics (formerly Invitae), Labcorp); PubMed 16388417 (cited by Mayo Clinic Laboratories, Mayo Clinic); PubMed 19847791 (cited by Mayo Clinic Laboratories, Mayo Clinic); PubMed 21228398 (cited by Mayo Clinic Laboratories, Mayo Clinic); PubMed 23346910 (cited by Mayo Clinic Laboratories, Mayo Clinic); PubMed 23422353 (cited by Mayo Clinic Laboratories, Mayo Clinic); PubMed 30770395 (cited by Mayo Clinic Laboratories, Mayo Clinic); PubMed 30792199 (cited by Mayo Clinic Laboratories, Mayo Clinic); PubMed 34702267 (cited by Mayo Clinic Laboratories, Mayo Clinic); PubMed 34789164 (cited by Mayo Clinic Laboratories, Mayo Clinic); PubMed 35586607 (cited by Mayo Clinic Laboratories, Mayo Clinic); PubMed 36414344 (cited by Mayo Clinic Laboratories, Mayo Clinic); PubMed 38935915 (cited by Mayo Clinic Laboratories, Mayo Clinic).